The following is an entry in ClinVar:

NM_001134363.3(RBM20):c.36C>A (p.Asp12Glu)

Gene: RBM20 (RNA binding motif protein 20; plus strand). Cytogenetic location: 10q25.2.
Variant type: single nucleotide variant.
Coding change: c.36C>A on transcript NM_001134363.3 (MANE Select); coding-DNA position 36, C replaced by A.
Protein change: p.Asp12Glu; replaces aspartic acid 12 with glutamic acid.
Molecular consequence: missense variant.
Genome position (GRCh38, 1-based): chr10:110,644,490, C>A. VCF-style: chr10-110644490-C-A. GRCh37 (hg19) VCF-style: chr10-112404248-C-A.
Other names: c.36C>A (LRG_382t1); short protein forms D12E.
Identifiers: ClinVar variation 519089 (VCV000519089.15), dbSNP rs573426783, ClinGen allele CA5688485.

ClinVar aggregate classification (germline): Conflicting classifications of pathogenicity. Review status: criteria provided, conflicting classifications (1 of 4 stars). 3 submissions from 3 submitters: Uncertain significance (2); Benign (1). Last evaluated 2025-12-13.

Conditions:
Cardiovascular phenotype. Identifiers: MedGen CN230736.
Dilated cardiomyopathy 1DD (CMD1DD). Identifiers: Orphanet 154, MedGen C2750995, MONDO:0013168, OMIM 613172.

Allele frequency attached by ClinVar (database versions not stated): gnomAD exomes 0.00002; TOPMed 0.00006; ExAC 0.00009; 1000 Genomes Project 0.00020; 1000 Genomes Project 30x 0.00031.
gnomAD v4.1: 14 of 1,522,946 alleles (0.00092%); highest among the groups gnomAD compares: African/African-American, 0.019%; no homozygotes.

Submissions (3):

Labcorp Genetics (formerly Invitae), Labcorp
Classification: Benign for Dilated cardiomyopathy 1DD. Last evaluated: 2025-12-13. Review status: criteria provided, single submitter. Criteria: Invitae Variant Classification Sherloc (09022015). Collection method: clinical testing. Allele origin: germline.

GeneDx
Classification: Uncertain significance. Last evaluated: 2025-01-31. Review status: criteria provided, single submitter. Criteria: GeneDx Variant Classification Process June 2021. Collection method: clinical testing. Allele origin: germline. Affected: yes.
Comment: In silico analysis indicates that this missense variant does not alter protein structure/function; Has not been previously published as pathogenic or benign to our knowledge

Ambry Genetics
Classification: Uncertain significance for Cardiovascular phenotype. Last evaluated: 2023-06-02. Review status: criteria provided, single submitter. Criteria: Ambry Variant Classification Scheme 2023. Collection method: clinical testing. Allele origin: germline.
Comment: The p.D12E variant (also known as c.36C>A), located in coding exon 1 of the RBM20 gene, results from a C to A substitution at nucleotide position 36. The aspartic acid at codon 12 is replaced by glutamic acid, an amino acid with highly similar properties. This amino acid position is not well conserved in available vertebrate species. In addition, this alteration is predicted to be tolerated by in silico analysis. Since supporting evidence is limited at this time, the clinical significance of this alteration remains unclear.